The following is an entry in ClinVar:

NM_000453.3(SLC5A5):c.423+1G>A

Gene: SLC5A5 (solute carrier family 5 member 5; plus strand). Cytogenetic location: 19p13.11.
Variant type: single nucleotide variant.
Coding change: c.423+1G>A on transcript NM_000453.3 (MANE Select); the canonical splice donor site of the intron after coding-DNA position 423, G replaced by A.
Molecular consequence: splice donor variant.
Genome position (GRCh38, 1-based): chr19:17,874,204, G>A. VCF-style: chr19-17874204-G-A. GRCh37 (hg19) VCF-style: chr19-17985013-G-A.
Identifiers: ClinVar variation 2843545 (VCV002843545.3), dbSNP rs2094301053, ClinGen allele CA404782442.

ClinVar aggregate classification (germline): Likely pathogenic (1 of 4 stars; one submission).

Submission:

Labcorp Genetics (formerly Invitae), Labcorp
Classification: Likely pathogenic. Last evaluated: 2023-03-07. Review status: criteria provided, single submitter. Criteria: Invitae Variant Classification Sherloc (09022015). Collection method: clinical testing. Allele origin: germline.
Comment: In summary, the currently available evidence indicates that the variant is pathogenic, but additional data are needed to prove that conclusively. Therefore, this variant has been classified as Likely Pathogenic. This sequence change affects a donor splice site in intron 2 of the SLC5A5 gene. It is expected to disrupt RNA splicing. Variants that disrupt the donor or acceptor splice site typically lead to a loss of protein function (PMID: 16199547), and loss-of-function variants in SLC5A5 are known to be pathogenic (PMID: 9388506, 9486973). This variant is not present in population databases (gnomAD no frequency). This variant has not been reported in the literature in individuals affected with SLC5A5-related conditions. Algorithms developed to predict the effect of sequence changes on RNA splicing suggest that this variant may disrupt the consensus splice site.

Literature cited by the submitters: PubMed 16199547; PubMed 9388506; PubMed 9486973.